The following is an entry in ClinVar:

ClinVar aggregate classification (germline): Uncertain significance (1 of 4 stars; one submission).

Submission:

Dasa
Classification: Uncertain significance. Last evaluated: 2026-04-19. Review status: criteria provided, single submitter. Criteria: DASA Assertion Criteria. Collection method: clinical testing. Allele origin: germline.
Comment: NM_001385012.1(NBEA):c.2287G>A (p.Val763Ile) is a missense variant that results in the substitution of valine with isoleucine. This variant is absent from population databases. The currently available literature and clinical evidence are not sufficient to establish a definitive association between this variant and the reported condition. Therefore, this variant is classified as a variant of uncertain significance.

NM_001385012.1(NBEA):c.2287G>A (p.Val763Ile)

Gene: NBEA (neurobeachin; plus strand). Cytogenetic location: 13q13.3.
Variant type: single nucleotide variant.
Coding change: c.2287G>A on transcript NM_001385012.1 (MANE Select); coding-DNA position 2287, G replaced by A.
Protein change: p.Val763Ile; replaces valine 763 with isoleucine.
Molecular consequence: missense variant.
Genome position (GRCh38, 1-based): chr13:35,123,525, G>A. VCF-style: chr13-35123525-G-A. GRCh37 (hg19) VCF-style: chr13-35697662-G-A.
Other names: c.2287G>A, p.Val763Ile (NM_001379245.1, NM_015678.5); short protein forms V763I.
Identifiers: ClinVar variation 4885785 (VCV004885785.2).